The following is an entry in ClinVar:

ClinVar aggregate classification (germline): Uncertain significance (1 of 4 stars; one submission).

Submission:

Labcorp Genetics (formerly Invitae), Labcorp
Classification: Uncertain significance. Last evaluated: 2025-12-23. Review status: criteria provided, single submitter. Criteria: Invitae Variant Classification Sherloc (09022015). Collection method: clinical testing. Allele origin: germline.
Comment: This sequence change creates a premature translational stop signal (p.Leu362Cysfs*23) in the RASA2 gene. It is expected to result in an absent or disrupted protein product. However, the current clinical and genetic evidence is not sufficient to establish whether loss-of-function variants in RASA2 cause disease. This variant is present in population databases (no rsID available, gnomAD 0.004%). This variant has not been reported in the literature in individuals affected with RASA2-related conditions. In summary, the available evidence is currently insufficient to determine the role of this variant in disease. Therefore, it has been classified as a Variant of Uncertain Significance.

NM_006506.5(RASA2):c.1085del (p.Leu362fs)

Gene: RASA2 (RAS p21 protein activator 2; plus strand). Cytogenetic location: 3q23.
Variant type: Deletion.
Coding change: c.1085del on transcript NM_006506.5 (MANE Select); coding-DNA position 1085, one base deleted (T; older notation c.1085delT).
Protein change: p.Leu362fs; shifts the reading frame from leucine 362.
Molecular consequence: frameshift variant.
Genome position (GRCh38, 1-based): chr3:141,571,470, T deleted; the last of 4 consecutive T bases (chr3:141,571,467-141,571,470); deleting any one gives the same sequence. VCF-style (leftmost placement, unchanged base first): chr3-141571466-GT-G. GRCh37 (hg19) VCF-style: chr3-141290308-GT-G.
Other names: c.1085del, p.Leu362fs (NM_001303245.3, NM_001303246.3); short protein forms L362fs.
Identifiers: ClinVar variation 4734012 (VCV004734012.1).